The following is an entry in ClinVar:

NM_001348323.3(TRIP12):c.1470A>G (p.Leu490=)

Gene: TRIP12 (thyroid hormone receptor interactor 12; minus strand). Cytogenetic location: 2q36.3.
Variant type: single nucleotide variant.
Coding change: c.1470A>G on transcript NM_001348323.3 (MANE Select); coding-DNA position 1470, A replaced by G.
Protein change: p.Leu490=; no amino-acid change (leucine 490 retained).
Molecular consequence: synonymous variant.
Genome position (GRCh38, 1-based): chr2:229,818,493, T>C on the plus strand (A>G on the coding strand, the complement: TRIP12 is on the minus strand). VCF-style: chr2-229818493-T-C. GRCh37 (hg19) VCF-style: chr2-230683209-T-C.
Other names: c.1470A>G, p.Leu490= (NM_001284214.2, NM_001348315.2, NM_001348319.1 and 11 more transcripts); c.1344A>G, p.Leu448= (NM_001284215.2, NM_001348316.2, NM_001348317.1 and 2 more transcripts); c.435A>G, p.Leu145= (NM_001284216.2); c.1383A>G, p.Leu461= (NM_001348332.1); c.1326A>G, p.Leu442= (NM_004238.3).
Identifiers: ClinVar variation 4821549 (VCV004821549.4).
Genomic context (GRCh38, chr2:229,818,493, plus strand): 5'-ACACATCTCAATAACTGCCTGAAGCTGTTGACTTTCATCACTGGCTTGCAATCCTTGTAG[T>C]AGCTGCTGGGCCTTAGAACCTTTAGAGAAAAAAATAATTATTATCTTTAAACATTTAAGA-3'
Protein context (NP_001335252.1, residues 480-500): GSGASSKAQQ[Leu490=]LQGLQASDES

ClinVar aggregate classification (germline): Likely benign (1 of 4 stars; one submission).

gnomAD v4.1: 146 of 1,614,134 alleles (0.009%); highest among the groups gnomAD compares: African/African-American, 0.16%; no homozygotes.

Submission:

CeGaT Center for Human Genetics Tuebingen
Classification: Likely benign. Last evaluated: 2026-03-01. Review status: criteria provided, single submitter. Criteria: CeGaT Center For Human Genetics Tuebingen Variant Classification Criteria Version 2. Collection method: clinical testing. Allele origin: germline. Affected: yes. Observed: 1 variant allele.
Comment: TRIP12: BP4, BP7